The following is an entry in ClinVar:

NM_000066.4(C8B):c.107A>C (p.His36Pro)

Gene: C8B (complement C8 beta chain; minus strand). Cytogenetic location: 1p32.2.
Variant type: single nucleotide variant.
Coding change: c.107A>C on transcript NM_000066.4 (MANE Select); coding-DNA position 107, A replaced by C.
Protein change: p.His36Pro; replaces histidine 36 with proline.
Molecular consequence: missense variant. On other transcripts: 5 prime UTR variant (2).
Genome position (GRCh38, 1-based): chr1:56,960,162, T>G on the plus strand (A>C on the coding strand, the complement: C8B is on the minus strand). VCF-style: chr1-56960162-T-G. GRCh37 (hg19) VCF-style: chr1-57425835-T-G.
Other names: c.-50A>C (NM_001278543.2); c.-209A>C (NM_001278544.2); short protein forms H36P.
Identifiers: ClinVar variation 1498023 (VCV001498023.5), dbSNP rs1487950063, ClinGen allele CA340512520.

ClinVar aggregate classification (germline): Uncertain significance (1 of 4 stars; one submission).

Allele frequency attached by ClinVar (database versions not stated): gnomAD exomes below 0.00001; TOPMed below 0.00001.

Submission:

Labcorp Genetics (formerly Invitae), Labcorp
Classification: Uncertain significance. Last evaluated: 2022-06-05. Review status: criteria provided, single submitter. Criteria: Invitae Variant Classification Sherloc (09022015). Collection method: clinical testing. Allele origin: germline.
Comment: In summary, the available evidence is currently insufficient to determine the role of this variant in disease. Therefore, it has been classified as a Variant of Uncertain Significance. Algorithms developed to predict the effect of missense changes on protein structure and function output the following: SIFT: "Tolerated"; PolyPhen-2: "Benign"; Align-GVGD: "Class C0". The proline amino acid residue is found in multiple mammalian species, which suggests that this missense change does not adversely affect protein function. ClinVar contains an entry for this variant (Variation ID: 1498023). This variant has not been reported in the literature in individuals affected with C8B-related conditions. This variant is not present in population databases (gnomAD no frequency). This sequence change replaces histidine, which is basic and polar, with proline, which is neutral and non-polar, at codon 36 of the C8B protein (p.His36Pro).